The following is an entry in ClinVar:

ClinVar aggregate classification (germline): Uncertain significance (1 of 4 stars; one submission).

Submission:

GeneDx
Classification: Uncertain significance. Last evaluated: 2025-05-18. Review status: criteria provided, single submitter. Criteria: GeneDx Variant Classification Process June 2021. Collection method: clinical testing. Allele origin: germline. Affected: yes.
Comment: Not observed at significant frequency in large population cohorts (gnomAD); In silico analysis suggests that this missense variant does not alter protein structure/function; Has not been previously published as pathogenic or benign to our knowledge

NM_001136157.2(OTUD5):c.592C>G (p.Gln198Glu)

Gene: OTUD5 (OTU deubiquitinase 5; minus strand). Cytogenetic location: Xp11.23.
Variant type: single nucleotide variant.
Coding change: c.592C>G on transcript NM_001136157.2 (MANE Select); coding-DNA position 592, C replaced by G.
Protein change: p.Gln198Glu; replaces glutamine 198 with glutamic acid.
Molecular consequence: missense variant. On other transcripts: intron variant (1).
Genome position (GRCh38, 1-based): chrX:48,956,979, G>C on the plus strand (C>G on the coding strand, the complement: OTUD5 is on the minus strand). VCF-style: chrX-48956979-G-C. GRCh37 (hg19) VCF-style: chrX-48814241-G-C.
Other names: c.592C>G, p.Gln198Glu (NM_001136158.2, NM_017602.4); c.-58+1253C>G (NM_001136159.2); short protein forms Q198E.
Identifiers: ClinVar variation 4531053 (VCV004531053.1).